The following is an entry in ClinVar:

NM_003680.4(YARS1):c.823T>C (p.Phe275Leu)

Genes: YARS1 (tyrosyl-tRNA synthetase 1; minus strand), LOC126805688 (BRD4-independent group 4 enhancer GRCh37_chr1:33251929-33253128; plus strand). Cytogenetic location: 1p35.1.
Variant type: single nucleotide variant.
Coding change: c.823T>C on transcript NM_003680.4 (MANE Select); coding-DNA position 823, T replaced by C.
Protein change: p.Phe275Leu; replaces phenylalanine 275 with leucine.
Molecular consequence: missense variant.
Genome position (GRCh38, 1-based): chr1:32,786,445, A>G on the plus strand (T>C on the coding strand, the complement: YARS1 is on the minus strand). VCF-style: chr1-32786445-A-G. GRCh37 (hg19) VCF-style: chr1-33252046-A-G.
Other names: short protein forms F275L.
Identifiers: ClinVar variation 3191406 (VCV003191406.2), dbSNP rs552744454, ClinGen allele CA745076.
Genomic context (GRCh38, chr1:32,786,445, plus strand): 5'-GGTCCACGTAAGCTGTGTAGGTTTTGTTTCCACCCCATTTCTCATCTCGTAGGATCACAA[A>G]CTCTATAAGGAAAAGGATCCATGTCAACAAACTCATTGACAGCATTCCTAGCTCACATGC-3'
Protein context (NP_003671.1, residues 265-285): KHVLFPLKSE[Phe275Leu]VILRDEKWGG

ClinVar aggregate classification (germline): Uncertain significance. Review status: criteria provided, multiple submitters, no conflicts (2 of 4 stars). 2 submissions from 2 submitters: Uncertain significance (2). Last evaluated 2025-12-16.

Conditions:
Inborn genetic diseases. Identifiers: MedGen C0950123, MeSH D030342.
Charcot-Marie-Tooth disease dominant intermediate C (CMTDIC). Also called: CHARCOT-MARIE-TOOTH NEUROPATHY, DOMINANT INTERMEDIATE C. Identifiers: Orphanet 100045, MedGen C1842237, MONDO:0012012, OMIM 608323.

Allele frequency attached by ClinVar (database versions not stated): gnomAD exomes below 0.00001; ExAC 0.00001; gnomAD 0.00001; 1000 Genomes Project 30x 0.00016; 1000 Genomes Project 0.00020.

Submissions (2):

Labcorp Genetics (formerly Invitae), Labcorp
Classification: Uncertain significance for Charcot-Marie-Tooth disease dominant intermediate C. Last evaluated: 2025-12-16. Review status: criteria provided, single submitter. Criteria: Invitae Variant Classification Sherloc (09022015). Collection method: clinical testing. Allele origin: germline.
Comment: This sequence change replaces phenylalanine, which is neutral and non-polar, with leucine, which is neutral and non-polar, at codon 275 of the YARS protein (p.Phe275Leu). This variant is present in population databases (rs552744454, gnomAD 0.007%). This variant has not been reported in the literature in individuals affected with YARS-related conditions. ClinVar contains an entry for this variant (Variation ID: 3191406). Invitae Evidence Modeling of protein sequence and biophysical properties (such as structural, functional, and spatial information, amino acid conservation, physicochemical variation, residue mobility, and thermodynamic stability) indicates that this missense variant is not expected to disrupt YARS protein function with a negative predictive value of 80%. In summary, the available evidence is currently insufficient to determine the role of this variant in disease. Therefore, it has been classified as a Variant of Uncertain Significance.

Ambry Genetics
Classification: Uncertain significance for Inborn genetic diseases. Last evaluated: 2024-02-02. Review status: criteria provided, single submitter. Criteria: Ambry Variant Classification Scheme 2023. Collection method: clinical testing. Allele origin: germline.